The following is an entry in ClinVar:

NM_001103.4(ACTN2):c.784-45A>G

Gene: ACTN2 (actinin alpha 2; plus strand). Cytogenetic location: 1q43.
Variant type: single nucleotide variant.
Coding change: c.784-45A>G on transcript NM_001103.4 (MANE Select); 45 bases into the intron before coding-DNA position 784, A replaced by G.
Molecular consequence: intron variant.
Genome position (GRCh38, 1-based): chr1:236,737,077, A>G. VCF-style: chr1-236737077-A-G. GRCh37 (hg19) VCF-style: chr1-236900377-A-G.
Other names: c.160-45A>G (NM_001278344.2); c.784-45A>G (NM_001278343.2).
Identifiers: ClinVar variation 675805 (VCV000675805.1), dbSNP rs12086403, ClinGen allele CA1472955.

ClinVar aggregate classification (germline): Likely benign (1 of 4 stars; one submission).

Allele frequency attached by ClinVar (database versions not stated): gnomAD exomes 0.00267; ExAC 0.00309; gnomAD 0.00878 and 0.00920; ESP Exome Variant Server 0.01000; TOPMed 0.01045; 1000 Genomes Project 0.01398; 1000 Genomes Project 30x 0.01593.
gnomAD v4.1: 2,922 of 1,520,086 alleles (0.19%); highest among the groups gnomAD compares: African/African-American, 3%; 48 homozygotes.

Submission:

GeneDx
Classification: Likely benign. Last evaluated: 2018-06-14. Review status: criteria provided, single submitter. Criteria: GeneDx Variant Classification (06012015). Collection method: clinical testing. Allele origin: germline. Affected: yes.
Comment: This variant is considered likely benign or benign based on one or more of the following criteria: it is a conservative change, it occurs at a poorly conserved position in the protein, it is predicted to be benign by multiple in silico algorithms, and/or has population frequency not consistent with disease.